The following is an entry in ClinVar:

ClinVar aggregate classification (germline): Uncertain significance. Review status: criteria provided, multiple submitters, no conflicts (2 of 4 stars). 2 submissions from 2 submitters: Uncertain significance (2). Last evaluated 2023-05-21.

Conditions:
Breast-ovarian cancer, familial, susceptibility to, 4. Identifiers: Orphanet 145, MedGen C3280345, MONDO:0013669, OMIM 614291.

Submissions (2):

Labcorp Genetics (formerly Invitae), Labcorp
Classification: Uncertain significance for Breast-ovarian cancer, familial, susceptibility to, 4. Last evaluated: 2023-05-21. Review status: criteria provided, single submitter. Criteria: Invitae Variant Classification Sherloc (09022015). Collection method: clinical testing. Allele origin: germline.
Comment: This sequence change replaces methionine, which is neutral and non-polar, with leucine, which is neutral and non-polar, at codon 16 of the RAD51D protein (p.Met16Leu). This variant is not present in population databases (gnomAD no frequency). This variant has not been reported in the literature in individuals affected with RAD51D-related conditions. ClinVar contains an entry for this variant (Variation ID: 1513561). An algorithm developed to predict the effect of missense changes on protein structure and function (PolyPhen-2) suggests that this variant is likely to be tolerated. In summary, the available evidence is currently insufficient to determine the role of this variant in disease. Therefore, it has been classified as a Variant of Uncertain Significance.

Baylor Genetics
Classification: Uncertain significance for Breast-ovarian cancer, familial, susceptibility to, 4. Last evaluated: 2023-05-12. Review status: criteria provided, single submitter. Criteria: ACMG Guidelines, 2015. Collection method: clinical testing. Allele origin: unknown.

NM_002878.4(RAD51D):c.46A>T (p.Met16Leu)

Genes: RAD51D (RAD51 paralog D; minus strand), RAD51L3-RFFL (RAD51L3-RFFL readthrough; minus strand). Cytogenetic location: 17q12.
Variant type: single nucleotide variant.
Coding change: c.46A>T on transcript NM_002878.4 (MANE Select); coding-DNA position 46, A replaced by T.
Protein change: p.Met16Leu; replaces methionine 16 with leucine.
Molecular consequence: missense variant. On other transcripts: non-coding transcript variant (2).
Genome position (GRCh38, 1-based): chr17:35,119,568, T>A on the plus strand (A>T on the coding strand, the complement: RAD51D is on the minus strand). VCF-style: chr17-35119568-T-A. GRCh37 (hg19) VCF-style: chr17-33446587-T-A.
Other names: c.46A>T, p.Met16Leu (NM_001142571.2, NM_133629.3); short protein forms M16L.
Identifiers: ClinVar variation 1513561 (VCV001513561.9), dbSNP rs2142480504, ClinGen allele CA399092436.